The following is an entry in ClinVar:

ClinVar aggregate classification (germline): Uncertain significance (1 of 4 stars; one submission).

Submission:

Labcorp Genetics (formerly Invitae), Labcorp
Classification: Uncertain significance. Last evaluated: 2025-06-22. Review status: criteria provided, single submitter. Criteria: Invitae Variant Classification Sherloc (09022015). Collection method: clinical testing. Allele origin: germline.
Comment: This sequence change replaces isoleucine, which is neutral and non-polar, with valine, which is neutral and non-polar, at codon 1800 of the TECTA protein (p.Ile1800Val). This variant is not present in population databases (gnomAD no frequency). This variant has not been reported in the literature in individuals affected with TECTA-related conditions. Invitae Evidence Modeling of protein sequence and biophysical properties (such as structural, functional, and spatial information, amino acid conservation, physicochemical variation, residue mobility, and thermodynamic stability) indicates that this missense variant is not expected to disrupt TECTA protein function with a negative predictive value of 95%. In summary, the available evidence is currently insufficient to determine the role of this variant in disease. Therefore, it has been classified as a Variant of Uncertain Significance.

NM_005422.4(TECTA):c.5398A>G (p.Ile1800Val)

Genes: TBCEL-TECTA (TBCEL-TECTA readthrough; plus strand), TECTA (tectorin alpha; plus strand). Cytogenetic location: 11q23.3.
Variant type: single nucleotide variant.
Coding change: c.5398A>G on transcript NM_005422.4 (MANE Select); coding-DNA position 5398, A replaced by G.
Protein change: p.Ile1800Val; replaces isoleucine 1800 with valine.
Molecular consequence: missense variant.
Genome position (GRCh38, 1-based): chr11:121,166,592, A>G. VCF-style: chr11-121166592-A-G. GRCh37 (hg19) VCF-style: chr11-121037301-A-G.
Other names: c.6340A>G, p.Ile2114Val (NM_001378761.1); short protein forms I1800V, I2114V.
Identifiers: ClinVar variation 4779658 (VCV004779658.1).
Genomic context (GRCh38, chr11:121,166,592, plus strand): 5'-AAGACCGACTCCACTGATTTGCCTTTCGTAATAACTGTTCCCACAGACTCACATGACATT[A>G]TCGATGCAGAGGTGACCTGCAAAGCAGCCCAAATGGAAGTGTCCATATCTAAGTGCAAGC-3'
Protein context (NP_005413.2, residues 1790-1810): PPYGNNSHDI[Ile1800Val]DAEVTCKAAQ